The following is an entry in ClinVar:

ClinVar aggregate classification (germline): Pathogenic. Review status: criteria provided, multiple submitters, no conflicts (2 of 4 stars). 4 submissions from 4 submitters: Pathogenic (4). Last evaluated 2025-03-11.

Conditions:
CDH3-related disorder. Also called: CDH3-related condition.
Congenital hypotrichosis with juvenile macular dystrophy (HJMD). Also called: HYPOTRICHOSIS WITH CONE-ROD DYSTROPHY. Identifiers: Orphanet 1573, MedGen C1832162, MONDO:0011107, OMIM 601553.

Allele frequency attached by ClinVar (database versions not stated): TOPMed 0.00002.
gnomAD v4.1: 1 of 1,613,484 alleles (0.000062%); highest among the groups gnomAD compares: Non-Finnish European, 0.000085%; no homozygotes.

Submissions (4):

Labcorp Genetics (formerly Invitae), Labcorp
Classification: Pathogenic. Last evaluated: 2025-03-11. Review status: criteria provided, single submitter. Criteria: Invitae Variant Classification Sherloc (09022015). Collection method: clinical testing. Allele origin: germline.
Comment: This sequence change creates a premature translational stop signal (p.Arg103*) in the CDH3 gene. It is expected to result in an absent or disrupted protein product. Loss-of-function variants in CDH3 are known to be pathogenic (PMID: 15805154, 27386845, 29620724). This variant is not present in population databases (gnomAD no frequency). This premature translational stop signal has been observed in individual(s) with CDH3-related conditions (PMID: 26885695). ClinVar contains an entry for this variant (Variation ID: 866071). For these reasons, this variant has been classified as Pathogenic.

Genomic Medicine Center of Excellence, King Faisal Specialist Hospital and Research Centre
Classification: Pathogenic for Congenital hypotrichosis with juvenile macular dystrophy. Last evaluated: 2024-12-18. Review status: criteria provided, single submitter. Criteria: ACMG Guidelines, 2015. Collection method: clinical testing. Allele origin: germline.

Revvity Omics, Revvity
Classification: Pathogenic. Last evaluated: 2021-04-27. Review status: criteria provided, single submitter. Criteria: ACMG Guidelines, 2015. Collection method: clinical testing. Allele origin: germline.

Blueprint Genetics
Classification: Pathogenic for CDH3-related disorders. Last evaluated: 2018-04-16. Review status: criteria provided, single submitter. Criteria: ACMG Guidelines, 2015. Collection method: clinical testing. Allele origin: germline. Affected: yes. Observed: 1 variant allele.

Literature cited by the submitters: PubMed 15805154 (cited by Labcorp Genetics (formerly Invitae), Labcorp); PubMed 27386845 (cited by Labcorp Genetics (formerly Invitae), Labcorp); PubMed 29620724 (cited by Labcorp Genetics (formerly Invitae), Labcorp); PubMed 26885695 (cited by Labcorp Genetics (formerly Invitae), Labcorp).

NM_001793.6(CDH3):c.307C>T (p.Arg103Ter)

Gene: CDH3 (cadherin 3; plus strand). Cytogenetic location: 16q22.1.
Variant type: single nucleotide variant.
Coding change: c.307C>T on transcript NM_001793.6 (MANE Select); coding-DNA position 307, C replaced by T.
Protein change: p.Arg103Ter; replaces arginine 103 with a stop codon.
Molecular consequence: nonsense.
Genome position (GRCh38, 1-based): chr16:68,678,194, C>T. VCF-style: chr16-68678194-C-T. GRCh37 (hg19) VCF-style: chr16-68712097-C-T.
Other names: c.307C>T, p.Arg103Ter (NM_001317195.3); c.142C>T, p.Arg48Ter (NM_001317196.2); short protein forms R103*, R48*.
Identifiers: ClinVar variation 866071 (VCV000866071.9), dbSNP rs1157108621, ClinGen allele CA396448652.